The following is an entry in ClinVar:

NM_018100.4(EFHC1):c.1115G>A (p.Arg372Gln)

Gene: EFHC1 (EF-hand domain containing 1; plus strand). Cytogenetic location: 6p12.2.
Variant type: single nucleotide variant.
Coding change: c.1115G>A on transcript NM_018100.4 (MANE Select); coding-DNA position 1115, G replaced by A.
Protein change: p.Arg372Gln; replaces arginine 372 with glutamine.
Molecular consequence: missense variant. On other transcripts: non-coding transcript variant (1).
Genome position (GRCh38, 1-based): chr6:52,465,093, G>A. VCF-style: chr6-52465093-G-A. GRCh37 (hg19) VCF-style: chr6-52329891-G-A.
Other names: c.1058G>A, p.Arg353Gln (NM_001172420.2); short protein forms R353Q, R372Q.
Identifiers: ClinVar variation 1014745 (VCV001014745.10), dbSNP rs535905126, ClinGen allele CA3855984.

ClinVar aggregate classification (germline): Uncertain significance (1 of 4 stars; one submission).

Conditions:
Absence seizure. Also called: Absence epilepsy. Identifiers: Orphanet 1941, MedGen C0014553.
Myoclonic epilepsy, juvenile, susceptibility to, 1. Also called: Myoclonic Epilepsy, Juvenile, 1; EJM1. Identifiers: MedGen C1850778, MONDO:0020752, OMIM 254770.

Allele frequency attached by ClinVar (database versions not stated): gnomAD exomes below 0.00001 and 0.00001; ExAC 0.00001; gnomAD 0.00001; TOPMed 0.00001; 1000 Genomes Project 30x 0.00016; 1000 Genomes Project 0.00020.
gnomAD v4.1: 18 of 1,613,758 alleles (0.0011%); highest among the groups gnomAD compares: East Asian, 0.0067%; no homozygotes.

Submission:

Labcorp Genetics (formerly Invitae), Labcorp
Classification: Uncertain significance for Myoclonic epilepsy, juvenile, susceptibility to, 1; Absence seizure. Last evaluated: 2020-07-21. Review status: criteria provided, single submitter. Criteria: Invitae Variant Classification Sherloc (09022015). Collection method: clinical testing. Allele origin: germline.
Comment: In summary, the available evidence is currently insufficient to determine the role of this variant in disease. Therefore, it has been classified as a Variant of Uncertain Significance. Algorithms developed to predict the effect of missense changes on protein structure and function output the following: SIFT: "Tolerated"; PolyPhen-2: "Benign"; Align-GVGD: "Class C0". The glutamine amino acid residue is found in multiple mammalian species, suggesting that this missense change does not adversely affect protein function. These predictions have not been confirmed by published functional studies and their clinical significance is uncertain. This variant has not been reported in the literature in individuals with EFHC1-related conditions. This variant is present in population databases (rs535905126, ExAC 0.01%). This sequence change replaces arginine with glutamine at codon 372 of the EFHC1 protein (p.Arg372Gln). The arginine residue is weakly conserved and there is a small physicochemical difference between arginine and glutamine.